The following is an entry in ClinVar:

ClinVar aggregate classification (germline): Likely benign. Review status: criteria provided, multiple submitters, no conflicts (2 of 4 stars). 2 submissions from 2 submitters: Likely benign (2). Last evaluated 2024-03-01.

Conditions:
History of neurodevelopmental disorder. Identifiers: MedGen C2711754.
Danon disease. Also called: PSEUDOGLYCOGENOSIS II; GSD IIb; LYSOSOMAL GLYCOGEN STORAGE DISEASE WITHOUT ACID MALTASE DEFICIENCY; ANTOPOL DISEASE; Glycogen Storage Disease Type IIb. Identifiers: Orphanet 34587, MedGen C0878677, MONDO:0010281, OMIM 300257.

Allele frequency attached by ClinVar (database versions not stated): gnomAD exomes below 0.00001; TOPMed 0.00001.
gnomAD v4.1: 1 of 1,210,008 alleles (0.000083%); highest among the groups gnomAD compares: Admixed American, 0.0022%; no homozygotes.

Submissions (2):

Labcorp Genetics (formerly Invitae), Labcorp
Classification: Likely benign for Danon disease. Last evaluated: 2024-03-01. Review status: criteria provided, single submitter. Criteria: Invitae Variant Classification Sherloc (09022015). Collection method: clinical testing. Allele origin: germline.

Ambry Genetics
Classification: Likely benign for History of neurodevelopmental disorder. Last evaluated: 2017-01-13. Review status: criteria provided, single submitter. Criteria: Ambry Autosomal Dominant and X-Linked criteria (10/2015). Collection method: clinical testing. Allele origin: germline. Observed: 1 variant allele.
Comment: In silico models in agreement (benign);Synonymous alterations with insufficient evidence to classify as benign

NM_002294.3(LAMP2):c.576C>T (p.Asp192=)

Gene: LAMP2 (lysosome associated membrane protein 2; minus strand). Cytogenetic location: Xq24.
Variant type: single nucleotide variant.
Coding change: c.576C>T on transcript NM_002294.3 (MANE Select); coding-DNA position 576, C replaced by T.
Protein change: p.Asp192=; no amino-acid change (aspartic acid 192 retained).
Molecular consequence: synonymous variant.
Genome position (GRCh38, 1-based): chrX:120,448,006, G>A on the plus strand (C>T on the coding strand, the complement: LAMP2 is on the minus strand). VCF-style: chrX-120448006-G-A. GRCh37 (hg19) VCF-style: chrX-119581861-G-A.
Other names: c.576C>T, p.Asp192= (NM_001122606.1, NM_013995.2).
Identifiers: ClinVar variation 589505 (VCV000589505.7), dbSNP rs1569369724, ClinGen allele CA518401892.
Genomic context (GRCh38, chrX:120,448,006, plus strand): 5'-AGGTGTTGTAGTAGGAGATGGCACAGTGGTGTGTATGGTGGGTGCCACTGTTGAAGTTTT[G>A]TCTTTATCACACAGGAACTCTAAAACAAGCGAAAAGGGACAAAAGAAACCAAAGCGGACA-3'
Protein context (NP_002285.1, residues 182-202): VSTNEFLCDK[Asp192=]KTSTVAPTIH